The following is an entry in ClinVar:

NM_024685.4(BBS10):c.473C>G (p.Ser158Trp)

Gene: BBS10 (Bardet-Biedl syndrome 10; minus strand). Cytogenetic location: 12q21.2.
Variant type: single nucleotide variant.
Coding change: c.473C>G on transcript NM_024685.4 (MANE Select); coding-DNA position 473, C replaced by G.
Protein change: p.Ser158Trp; replaces serine 158 with tryptophan.
Molecular consequence: missense variant.
Genome position (GRCh38, 1-based): chr12:76,347,512, G>C on the plus strand (C>G on the coding strand, the complement: BBS10 is on the minus strand). VCF-style: chr12-76347512-G-C. GRCh37 (hg19) VCF-style: chr12-76741292-G-C.
Other names: short protein forms S158W.
Identifiers: ClinVar variation 1947608 (VCV001947608.2), dbSNP rs553291328, ClinGen allele CA385815112.

ClinVar aggregate classification (germline): Uncertain significance (1 of 4 stars; one submission).

Conditions:
Bardet-Biedl syndrome (BBS). Identifiers: Orphanet 110, MedGen C0752166, MONDO:0015229.

Submission:

Labcorp Genetics (formerly Invitae), Labcorp
Classification: Uncertain significance for Bardet-Biedl syndrome. Last evaluated: 2022-05-10. Review status: criteria provided, single submitter. Criteria: Invitae Variant Classification Sherloc (09022015). Collection method: clinical testing. Allele origin: germline.
Comment: This sequence change replaces serine, which is neutral and polar, with tryptophan, which is neutral and slightly polar, at codon 158 of the BBS10 protein (p.Ser158Trp). This variant is not present in population databases (gnomAD no frequency). This variant has not been reported in the literature in individuals affected with BBS10-related conditions. Algorithms developed to predict the effect of missense changes on protein structure and function are either unavailable or do not agree on the potential impact of this missense change (SIFT: "Deleterious"; PolyPhen-2: "Probably Damaging"; Align-GVGD: "Class C15"). In summary, the available evidence is currently insufficient to determine the role of this variant in disease. Therefore, it has been classified as a Variant of Uncertain Significance.